The following is an entry in ClinVar:

ClinVar aggregate classification (germline): Conflicting classifications of pathogenicity. Review status: criteria provided, conflicting classifications (1 of 4 stars). 4 submissions from 4 submitters: Uncertain significance (1); Likely benign (3). Last evaluated 2026-01-05.

Conditions:
Hereditary cancer-predisposing syndrome. Also called: Hereditary Cancer Syndrome; Tumor predisposition; Neoplastic Syndromes, Hereditary; Hereditary neoplastic syndrome. Identifiers: Orphanet 140162, MedGen C0027672, MeSH D009386, MONDO:0015356.
Hereditary breast ovarian cancer syndrome. Also called: Hereditary breast and ovarian cancer; Hereditary breast and ovarian cancer syndrome; Hereditary breast and ovarian cancer syndrome (HBOC); Hereditary breast and/or ovarian cancer syndrome; Breast and ovarian cancer; BRCA1- and BRCA2-Associated Hereditary Breast and Ovarian Cancer. Identifiers: Orphanet 145, MedGen C0677776, MeSH D061325, MONDO:0003582. Disease mechanism: loss of function.
Breast-ovarian cancer, familial, susceptibility to, 2 (BROVCA2). Also called: BRCA2 Hereditary Breast and Ovarian Cancer. Identifiers: Orphanet 145, MedGen C2675520, MONDO:0012933, OMIM 612555. Disease mechanism: loss of function.

gnomAD v4.1: 3 of 1,613,352 alleles (0.00019%); highest among the groups gnomAD compares: South Asian, 0.0033%; no homozygotes.

Submissions (4):

Labcorp Genetics (formerly Invitae), Labcorp
Classification: Likely benign for Hereditary breast ovarian cancer syndrome. Last evaluated: 2026-01-05. Review status: criteria provided, single submitter. Criteria: Invitae Variant Classification Sherloc (09022015). Collection method: clinical testing. Allele origin: germline.

All of Us Research Program, National Institutes of Health
Classification: Likely benign for Breast-ovarian cancer, familial, susceptibility to, 2. Last evaluated: 2023-06-26. Review status: criteria provided, single submitter. Criteria: ACMG Guidelines, 2015. Collection method: clinical testing. Allele origin: germline. Inheritance: Autosomal dominant inheritance. Observed: 1 variant allele, 1 heterozygote.
Comment: This study involves interpretation of variants in research participants for the purpose of population health screening. Participant phenotype was not available at the time of variant classification. Additional details can be found in publication PMID: 35346344, PMCID: PMC8962531

Ambry Genetics
Classification: Uncertain significance for Hereditary cancer-predisposing syndrome. Last evaluated: 2022-05-27. Review status: criteria provided, single submitter. Criteria: Ambry Variant Classification Scheme 2023. Collection method: clinical testing. Allele origin: germline.
Comment: The c.9087G>T variant (also known as p.A3029A), located in coding exon 22 of the BRCA2 gene, results from a G to T substitution at nucleotide position 9087. This nucleotide substitution does not change the alanine at codon 3029. This nucleotide position is poorly conserved in available vertebrate species. In silico splice site analysis for this alteration is inconclusive. Since supporting evidence is limited at this time, the clinical significance of this alteration remains unclear.

GeneDx
Classification: Likely benign. Last evaluated: 2018-01-19. Review status: criteria provided, single submitter. Criteria: GeneDx Variant Classification (06012015). Collection method: clinical testing. Allele origin: germline. Affected: yes.
Comment: This variant is considered likely benign or benign based on one or more of the following criteria: it is a conservative change, it occurs at a poorly conserved position in the protein, it is predicted to be benign by multiple in silico algorithms, and/or has population frequency not consistent with disease.

NM_000059.4(BRCA2):c.9087G>T (p.Ala3029=)

Gene: BRCA2 (BRCA2 DNA repair associated; plus strand). Cytogenetic location: 13q13.1.
Variant type: single nucleotide variant.
Coding change: c.9087G>T on transcript NM_000059.4 (MANE Select); coding-DNA position 9087, G replaced by T.
Protein change: p.Ala3029=; no amino-acid change (alanine 3029 retained).
Molecular consequence: synonymous variant.
Genome position (GRCh38, 1-based): chr13:32,379,883, G>T. VCF-style: chr13-32379883-G-T. GRCh37 (hg19) VCF-style: chr13-32954020-G-T.
Identifiers: ClinVar variation 506552 (VCV000506552.7), dbSNP rs368576266, ClinGen allele CA483439884.
Genomic context (GRCh38, chr13:32,379,883, plus strand): 5'-TCATCTTGCAACTTCAAAATCTAAAAGTAAATCTGAAAGAGCTAACATACAGTTAGCAGC[G>T]ACAAAAAAAACTCAGTATCAACAACTACCGGTACAAACCTTTCATTGTAATTTTTCAGTT-3'
Protein context (NP_000050.3, residues 3019-3039): KSERANIQLA[Ala3029=]TKKTQYQQLP